The following is an entry in ClinVar:

NM_004104.5(FASN):c.1382CCGCCA[3] (p.Ala464_Met465insThrAla)

Gene: FASN (fatty acid synthase; minus strand). Cytogenetic location: 17q25.3.
Variant type: Microsatellite.
Coding change: c.1382CCGCCA[3] on transcript NM_004104.5 (MANE Select); three copies in a row of the 6-base unit CCGCCA starting at c.1382; the reference has two copies in a row; one copy, 6 bases duplicated.
Protein change: p.Ala464_Met465insThrAla.
Molecular consequence: inframe insertion.
Genome position (GRCh38, 1-based): chr17:82,091,321-82,091,326, TGGCGG duplicated on the plus strand (CCGCCA on the coding strand, the reverse complement: FASN is on the minus strand); duplicating any 6 consecutive bases within chr17:82,091,321-82,091,332 gives the same sequence; the position shown is the placement nearest the transcript's 3' end. VCF-style (leftmost placement, unchanged base first): chr17-82091320-A-ATGGCGG. GRCh37 (hg19) VCF-style: chr17-80049196-A-ATGGCGG.
Identifiers: ClinVar variation 2199279 (VCV002199279.4), dbSNP rs1042171591, ClinGen allele CA295137689.
Genomic context (GRCh38, chr17:82,091,320, plus strand): 5'-ACCTGCTGCACCTCTGGGCCACCGCGCTCACCACCCAGCACAGCGTAGCCACGGAAGGGC[A>ATGGCGG]TGGCGGTGGCGGGGACAGCCGCGATGTCGTTCAGCATGCTCAGGAAAGCCAGGTCCTGGC-3'

ClinVar aggregate classification (germline): Uncertain significance (1 of 4 stars; one submission).

Conditions:
Epileptic encephalopathy. Identifiers: MedGen C0543888, HP:0200134.

Submission:

Labcorp Genetics (formerly Invitae), Labcorp
Classification: Uncertain significance for Epileptic encephalopathy. Last evaluated: 2022-09-27. Review status: criteria provided, single submitter. Criteria: Invitae Variant Classification Sherloc (09022015). Collection method: clinical testing. Allele origin: germline.
Comment: This variant, c.1388_1393dup, results in the insertion of 2 amino acid(s) of the FASN protein (p.Thr463_Ala464dup), but otherwise preserves the integrity of the reading frame. This variant is not present in population databases (gnomAD no frequency). This variant has not been reported in the literature in individuals affected with FASN-related conditions. In summary, the available evidence is currently insufficient to determine the role of this variant in disease. Therefore, it has been classified as a Variant of Uncertain Significance.